The following is an entry in ClinVar:

NM_000540.3(RYR1):c.7604C>T (p.Ser2535Leu)

Gene: RYR1 (ryanodine receptor 1; plus strand). Cytogenetic location: 19q13.2.
Variant type: single nucleotide variant.
Coding change: c.7604C>T on transcript NM_000540.3 (MANE Select); coding-DNA position 7604, C replaced by T.
Protein change: p.Ser2535Leu; replaces serine 2535 with leucine.
Molecular consequence: missense variant.
Genome position (GRCh38, 1-based): chr19:38,500,980, C>T. VCF-style: chr19-38500980-C-T. GRCh37 (hg19) VCF-style: chr19-38991620-C-T.
Other names: c.7604C>T, p.Ser2535Leu (NM_001042723.2); short protein forms S2535L.
Identifiers: ClinVar variation 590591 (VCV000590591.13), dbSNP rs776163386, ClinGen allele CA069802.

ClinVar aggregate classification (germline): Uncertain significance. Review status: criteria provided, multiple submitters, no conflicts (2 of 4 stars). 6 submissions from 6 submitters: Uncertain significance (6). Last evaluated 2025-11-18.

Conditions:
RYR1-related disorder. Also called: RYR1-related disorders; RYR1-related condition. Identifiers: MedGen CN239331.
Malignant hyperthermia, susceptibility to, 1 (MHS1). Also called: Anesthesia related hyperthermia; Malignant hyperpyrexia; Fulminating hyperpyrexia; Pharmacogenic myopathy; RYR1-Related Malignant Hyperthermia Susceptibility; Malignant hyperthermia suceptibility 1. Identifiers: Orphanet 423, MedGen C2930980, MONDO:0007783, OMIM 145600.
Congenital multicore myopathy with external ophthalmoplegia (CMYO1B). Also called: MULTIMINICORE DISEASE WITH EXTERNAL OPHTHALMOPLEGIA; Congenital myopathy 1B, autosomal recessive; Minicore myopathy; Minicore myopathy with external ophthalmoplegia; MULTICORE MYOPATHY. Identifiers: Orphanet 598, Orphanet 98905, MedGen C1850674, MONDO:0009712, OMIM 255320, HP:0003789.
Congenital myopathy with fiber type disproportion. Also called: Congenital fiber-type disproportion myopathy; Congenital fiber-type disproportion. Identifiers: Orphanet 2020, MedGen C0546264, MONDO:0009711. Inheritance: all.
Central core myopathy (CMYO1A). Also called: CONGENITAL MYOPATHY 1A, AUTOSOMAL DOMINANT, WITH SUSCEPTIBILITY TO MALIGNANT HYPERTHERMIA; Central core disease; Myopathy, central fibrillar. Identifiers: Orphanet 597, MedGen C5830701, MONDO:0007294, OMIM 117000.
King Denborough syndrome (KDS). Identifiers: MedGen C1840365, MONDO:0020485, OMIM 619542.

Allele frequency attached by ClinVar (database versions not stated): gnomAD 0.00001; gnomAD exomes 0.00001 and 0.00002; ExAC 0.00002; TOPMed 0.00003.
gnomAD v4.1: 18 of 1,613,222 alleles (0.0011%); highest among the groups gnomAD compares: East Asian, 0.0022%; no homozygotes.

Submissions (6):

Labcorp Genetics (formerly Invitae), Labcorp
Classification: Uncertain significance for RYR1-related disorder. Last evaluated: 2025-11-18. Review status: criteria provided, single submitter. Criteria: Invitae Variant Classification Sherloc (09022015). Collection method: clinical testing. Allele origin: germline.
Comment: This sequence change replaces serine, which is neutral and polar, with leucine, which is neutral and non-polar, at codon 2535 of the RYR1 protein (p.Ser2535Leu). This variant is present in population databases (rs776163386, gnomAD 0.007%). This missense change has been observed in individual(s) with clinical features of RYR1-related conditions (PMID: 32236737). ClinVar contains an entry for this variant (Variation ID: 590591). Invitae Evidence Modeling of protein sequence and biophysical properties (such as structural, functional, and spatial information, amino acid conservation, physicochemical variation, residue mobility, and thermodynamic stability) indicates that this missense variant is not expected to disrupt RYR1 protein function with a negative predictive value of 80%. In summary, the available evidence is currently insufficient to determine the role of this variant in disease. Therefore, it has been classified as a Variant of Uncertain Significance.

All of Us Research Program, National Institutes of Health
Classification: Uncertain significance for Malignant hyperthermia, susceptibility to, 1. Last evaluated: 2024-04-16. Review status: criteria provided, single submitter. Criteria: ACMG Guidelines, 2015. Collection method: clinical testing. Allele origin: germline. Inheritance: Autosomal dominant inheritance. Observed: 5 variant alleles, 5 heterozygotes.
Comment: This missense variant replaces serine with leucine at codon 2535 of the RYR1 protein. Computational prediction is inconclusive regarding the impact of this variant on protein structure and function (internally defined REVEL score threshold 0.5 < inconclusive < 0.7, PMID: 27666373). To our knowledge, functional studies have not been reported for this variant. This variant has not been reported in individuals affected with RYR1-related disorders in the literature. This variant has been identified in 5/278230 chromosomes in the general population by the Genome Aggregation Database (gnomAD). The available evidence is insufficient to determine the role of this variant in disease conclusively. Therefore, this variant is classified as a Variant of Uncertain Significance.

This study involves interpretation of variants in research participants for the purpose of population health screening. Participant phenotype was not available at the time of variant classification. Additional details can be found in publication PMID: 35346344, PMCID: PMC8962531

Color Diagnostics, LLC DBA Color Health
Classification: Uncertain significance for Malignant hyperthermia, susceptibility to, 1. Last evaluated: 2024-04-05. Review status: criteria provided, single submitter. Criteria: ACMG Guidelines, 2015. Collection method: clinical testing. Allele origin: germline.
Comment: This missense variant replaces serine with leucine at codon 2535 of the RYR1 protein. Computational prediction is inconclusive regarding the impact of this variant on protein structure and function. To our knowledge, functional studies have not been reported for this variant. This variant has not been reported in individuals affected with RYR1-related disorders in the literature. This variant has been identified in 5/278230 chromosomes in the general population by the Genome Aggregation Database (gnomAD). The available evidence is insufficient to determine the role of this variant in disease conclusively. Therefore, this variant is classified as a Variant of Uncertain Significance.

Revvity Omics, Revvity
Classification: Uncertain significance. Last evaluated: 2023-08-30. Review status: criteria provided, single submitter. Criteria: ACMG Guidelines, 2015. Collection method: clinical testing. Allele origin: germline.

Fulgent Genetics
Classification: Uncertain significance for Central core myopathy; Malignant hyperthermia, susceptibility to, 1; Congenital myopathy 4A, autosomal dominant; Congenital multicore myopathy with external ophthalmoplegia; King Denborough syndrome. Last evaluated: 2021-10-04. Review status: criteria provided, single submitter. Criteria: ACMG Guidelines, 2015. Collection method: clinical testing. Allele origin: unknown.

PreventionGenetics, part of Exact Sciences
Classification: Uncertain significance. Last evaluated: 2017-11-20. Review status: criteria provided, single submitter. Criteria: ACMG Guidelines, 2015. Collection method: clinical testing. Allele origin: germline.

Literature cited by the submitters: PubMed 32236737 (cited by Labcorp Genetics (formerly Invitae), Labcorp).